The following is an entry in ClinVar:

ClinVar aggregate classification (germline): Uncertain significance. Review status: criteria provided, multiple submitters, no conflicts (2 of 4 stars). 6 submissions from 6 submitters: Uncertain significance (6). Last evaluated 2025-07-27.

Conditions:
RAF1-related disorder. Also called: RAF1-related disorders; RAF1-related condition.
Cardiovascular phenotype. Identifiers: MedGen CN230736.
Dilated cardiomyopathy 1NN. Identifiers: Orphanet 154, MedGen C4014656, MONDO:0014396, OMIM 615916.
LEOPARD syndrome 2 (LPRD2). Also called: RAF1-Related LEOPARD Syndrome. Identifiers: Orphanet 500, MedGen C1969056, MONDO:0012691, OMIM 611554.
Noonan syndrome 5 (NS5). Also called: RAF1-Related Noonan Syndrome. Identifiers: Orphanet 648, MedGen C1969057, MONDO:0012690, OMIM 611553. Disease mechanism: gain of function.
RASopathy. Also called: rasopathies; Noonan spectrum disorder. Identifiers: Orphanet 536391, MedGen C5555857, MONDO:0021060.

Submissions (6):

Labcorp Genetics (formerly Invitae), Labcorp
Classification: Uncertain significance for RASopathy. Last evaluated: 2025-07-27. Review status: criteria provided, single submitter. Criteria: Invitae Variant Classification Sherloc (09022015). Collection method: clinical testing. Allele origin: germline.
Comment: This sequence change replaces phenylalanine, which is neutral and non-polar, with leucine, which is neutral and non-polar, at codon 146 of the RAF1 protein (p.Phe146Leu). This variant is not present in population databases (gnomAD no frequency). This variant has not been reported in the literature in individuals affected with RAF1-related conditions. ClinVar contains an entry for this variant (Variation ID: 197747). Invitae Evidence Modeling incorporating data from in vitro experimental studies (internal data) indicates that this missense variant is expected to disrupt RAF1 function with a positive predictive value of 95%. In summary, the available evidence is currently insufficient to determine the role of this variant in disease. Therefore, it has been classified as a Variant of Uncertain Significance.

GeneDx
Classification: Uncertain significance. Last evaluated: 2025-03-18. Review status: criteria provided, single submitter. Criteria: GeneDx Variant Classification Process June 2021. Collection method: clinical testing. Allele origin: germline. Affected: yes.
Comment: Missense variants in this gene are a common cause of disease and they are underrepresented in the general population; Not observed at significant frequency in large population cohorts (gnomAD); In silico analysis supports that this missense variant has a deleterious effect on protein structure/function; Has not been previously published as pathogenic or benign to our knowledge; This variant is associated with the following publications: (PMID: 29493581)

Ambry Genetics
Classification: Uncertain significance for Cardiovascular phenotype. Last evaluated: 2024-12-18. Review status: criteria provided, single submitter. Criteria: Ambry Variant Classification Scheme 2023. Collection method: clinical testing. Allele origin: germline.
Comment: The p.F146L variant (also known as c.438C>A), located in coding exon 4 of the RAF1 gene, results from a C to A substitution at nucleotide position 438. The phenylalanine at codon 146 is replaced by leucine, an amino acid with highly similar properties. This amino acid position is well conserved in available vertebrate species. In addition, this alteration is predicted to be deleterious by in silico analysis. Based on the available evidence, the clinical significance of this variant remains unclear.

PreventionGenetics, part of Exact Sciences
Classification: Uncertain significance for RAF1-related condition. Last evaluated: 2022-12-22. Review status: criteria provided, single submitter. Criteria: ACMG Guidelines, 2015. Collection method: clinical testing. Allele origin: germline.
Comment: The RAF1 c.438C>A variant is predicted to result in the amino acid substitution p.Phe146Leu. To our knowledge, this variant has not been reported in the literature or in a large population database, indicating this variant is rare. At this time, the clinical significance of this variant is uncertain due to the absence of conclusive functional and genetic evidence.

Fulgent Genetics
Classification: Uncertain significance for Noonan syndrome 5; LEOPARD syndrome 2; Dilated cardiomyopathy 1NN. Last evaluated: 2021-10-29. Review status: criteria provided, single submitter. Criteria: ACMG Guidelines, 2015. Collection method: clinical testing. Allele origin: unknown.

Eurofins Ntd Llc (ga)
Classification: Uncertain significance. Last evaluated: 2015-01-26. Review status: criteria provided, single submitter. Criteria: EGL Classification Definitions 2015. Collection method: clinical testing. Allele origin: germline. Observed: 1 variant allele, 1 heterozygote.

NM_002880.4(RAF1):c.438C>A (p.Phe146Leu)

Gene: RAF1 (Raf-1 proto-oncogene, serine/threonine kinase; minus strand). Cytogenetic location: 3p25.2.
Variant type: single nucleotide variant.
Coding change: c.438C>A on transcript NM_002880.4 (MANE Select); coding-DNA position 438, C replaced by A.
Protein change: p.Phe146Leu; replaces phenylalanine 146 with leucine.
Molecular consequence: missense variant. On other transcripts: non-coding transcript variant (3).
Genome position (GRCh38, 1-based): chr3:12,608,909, G>T on the plus strand (C>A on the coding strand, the complement: RAF1 is on the minus strand). VCF-style: chr3-12608909-G-T. GRCh37 (hg19) VCF-style: chr3-12650408-G-T.
Other names: c.438C>A, p.Phe146Leu (NM_001354689.3, NM_001354690.3, NM_001354693.3); c.195C>A, p.Phe65Leu (NM_001354691.3, NM_001354692.3, NM_001354694.3 and 1 more transcripts); short protein forms F146L, F65L.
Identifiers: ClinVar variation 197747 (VCV000197747.18), dbSNP rs794727717, ClinGen allele CA246061.
Genomic context (GRCh38, chr3:12,608,909, plus strand): 5'-CTGACATCGAAATCCATTGAGCAGGAATTTCTGACAGATGTCACAGAAGGCAAGCTTCAG[G>T]AACGTCTTCCGAGCCTACAACAAGAACACAGGTGTAAATTATGCTGAATAAATAAAAGAT-3'
Protein context (NP_002871.1, residues 136-156): LTTHNFARKT[Phe146Leu]LKLAFCDICQ